The following is an entry in ClinVar:

NM_007254.4(PNKP):c.1288_1294del (p.Ser430fs)

Gene: PNKP (polynucleotide kinase 3'-phosphatase; minus strand). Cytogenetic location: 19q13.33.
Variant type: Deletion.
Coding change: c.1288_1294del on transcript NM_007254.4 (MANE Select); coding-DNA positions 1288 to 1294, 7 bases deleted (AGCCGCG; older notation c.1288_1294delAGCCGCG).
Protein change: p.Ser430fs; shifts the reading frame from serine 430.
Molecular consequence: frameshift variant.
Genome position (GRCh38, 1-based): chr19:49,861,776-49,861,782, CGCGGCT deleted on the plus strand (AGCCGCG on the coding strand, the reverse complement: PNKP is on the minus strand); deleting any 7 consecutive bases within chr19:49,861,776-49,861,788 gives the same sequence; the c. name uses the placement nearest the transcript's 3' end. VCF-style (leftmost placement, unchanged base first): chr19-49861775-GCGCGGCT-G. GRCh37 (hg19) VCF-style: chr19-50365032-GCGCGGCT-G.
Other names: c.1288_1294delAGCCGCG (NM_007254.4, NM_007254.2); short protein forms S430fs.
Identifiers: ClinVar variation 817332 (VCV000817332.14), dbSNP rs796052860, ClinGen allele CA633894521.

ClinVar aggregate classification (germline): Pathogenic/Likely pathogenic. Review status: criteria provided, multiple submitters, no conflicts (2 of 4 stars). 3 submissions from 3 submitters: Pathogenic (2); Likely pathogenic (1). Last evaluated 2026-04-13.

Conditions:
Ataxia - oculomotor apraxia type 4. Identifiers: Orphanet 459033, MedGen C4225397, MONDO:0014557, OMIM 616267.
Developmental and epileptic encephalopathy, 12 (DEE12). Identifiers: MedGen C3150988, MONDO:0013389, OMIM 613722.

Submissions (3):

Women's Health and Genetics/Laboratory Corporation of America, LabCorp
Classification: Pathogenic for Ataxia - oculomotor apraxia type 4. Last evaluated: 2026-04-13. Review status: criteria provided, single submitter. Criteria: LabCorp Variant Classification Summary - May 2015. Collection method: clinical testing. Allele origin: germline.
Comment: Variant summary: PNKP c.1288_1294delAGCCGCG (p.Ser430ProfsX35) results in a premature termination codon, predicted to cause a truncation of the encoded protein or absence of the protein due to nonsense mediated decay, which are commonly known mechanisms for disease. The variant allele was found at a frequency of 5.9e-06 in 169706 control chromosomes. c.1288_1294delAGCCGCG has been observed in the homozygous state in at least 1 individual(s) affected with clinical features of Ataxia - oculomotor apraxia type 4 (example, Gorukmez_2023). These report(s) do not provide unequivocal conclusions about association of the variant with Ataxia - oculomotor apraxia type 4. To our knowledge, no experimental evidence demonstrating an impact on protein function has been reported. ClinVar contains an entry for this variant (Variation ID: 817332). Based on the evidence outlined above, the variant was classified as pathogenic.

GeneDx
Classification: Likely pathogenic. Last evaluated: 2025-01-08. Review status: criteria provided, single submitter. Criteria: GeneDx Variant Classification Process June 2021. Collection method: clinical testing. Allele origin: germline. Affected: yes.
Comment: Frameshift variant predicted to result in protein truncation, as the last 92 amino acids are replaced with 34 different amino acids, and other loss-of-function variants have been reported downstream in HGMD; Not observed at significant frequency in large population cohorts (gnomAD); This variant is associated with the following publications: (PMID: 22508754, 36964972)

Labcorp Genetics (formerly Invitae), Labcorp
Classification: Pathogenic for Developmental and epileptic encephalopathy, 12. Last evaluated: 2024-11-18. Review status: criteria provided, single submitter. Criteria: Invitae Variant Classification Sherloc (09022015). Collection method: clinical testing. Allele origin: germline.
Comment: This sequence change creates a premature translational stop signal (p.Ser430Profs*35) in the PNKP gene. It is expected to result in an absent or disrupted protein product. Loss-of-function variants in PNKP are known to be pathogenic (PMID: 20118933, 25728773). This variant is present in population databases (no rsID available, gnomAD 0.001%). This variant has not been reported in the literature in individuals affected with PNKP-related conditions. ClinVar contains an entry for this variant (Variation ID: 817332). For these reasons, this variant has been classified as Pathogenic.

Literature cited by the submitters: PubMed 36964972 (cited by Women's Health and Genetics/Laboratory Corporation of America, LabCorp); PubMed 20118933 (cited by Labcorp Genetics (formerly Invitae), Labcorp); PubMed 25728773 (cited by Labcorp Genetics (formerly Invitae), Labcorp).